The following is an entry in ClinVar:

NM_007294.4(BRCA1):c.2740G>A (p.Glu914Lys)

Gene: BRCA1 (BRCA1 DNA repair associated; minus strand). Cytogenetic location: 17q21.31.
Variant type: single nucleotide variant.
Coding change: c.2740G>A on transcript NM_007294.4 (MANE Select); coding-DNA position 2740, G replaced by A.
Protein change: p.Glu914Lys; replaces glutamic acid 914 with lysine.
Molecular consequence: missense variant. On other transcripts: intron variant (137).
Genome position (GRCh38, 1-based): chr17:43,092,791, C>T on the plus strand (G>A on the coding strand, the complement: BRCA1 is on the minus strand). VCF-style: chr17-43092791-C-T. GRCh37 (hg19) VCF-style: chr17-41244808-C-T.
Other names: c.2596G>A, p.Glu866Lys (NM_001407745.1, NM_001407749.1, NM_001407746.1 and 20 more transcripts); c.785-1759G>A (NM_001408407.1, NM_001408402.1, NM_001408473.1 and 13 more transcripts); c.2599G>A, p.Glu867Lys (NM_001407750.1, NM_001407751.1, NM_001407942.1 and 29 more transcripts); c.662-1759G>A (NM_001408432.1, NM_001408445.1, NM_001408446.1 and 6 more transcripts); c.668-1759G>A (NM_001408424.1, NM_001408431.1, NM_001408421.1); c.2530G>A, p.Glu844Lys (NM_001407900.1, NM_001407902.1, NM_001407904.1 and 13 more transcripts); c.2527G>A, p.Glu843Lys (NM_001407571.1, NM_001407915.1, NM_001407916.1 and 9 more transcripts); c.2740G>A, p.Glu914Lys (NM_001407581.1, NM_001407582.1, NM_001407583.1 and 30 more transcripts); and 41 more; short protein forms E914K, E867K, E787K, E826K, E844K, E872K, E911K, E825K.
Identifiers: ClinVar variation 479250 (VCV000479250.10), dbSNP rs80357419, ClinGen allele CA10596511.

ClinVar aggregate classification (germline): Conflicting classifications of pathogenicity. Review status: criteria provided, conflicting classifications (1 of 4 stars). 3 submissions from 3 submitters: Uncertain significance (2); Likely benign (1). Last evaluated 2023-03-23.

Conditions:
Hereditary cancer-predisposing syndrome. Also called: Neoplastic Syndromes, Hereditary; Hereditary Cancer Syndrome; Hereditary neoplastic syndrome; Tumor predisposition. Identifiers: Orphanet 140162, MedGen C0027672, MeSH D009386, MONDO:0015356.

Submissions (3):

University of Washington Department of Laboratory Medicine, University of Washington
Classification: Likely benign for Hereditary cancer-predisposing syndrome. Last evaluated: 2023-03-23. Review status: criteria provided, single submitter. Criteria: Dines et al. (Genet Med. 2020). Collection method: curation. Allele origin: germline.
Comment: Missense variant in a coldspot region where missense variants are very unlikely to be pathogenic (PMID:31911673).

BRCA1 coldspot (exon 11 using historical exon numbering). Reclassification based on statistical prior probability

Color Diagnostics, LLC DBA Color Health
Classification: Uncertain significance for Hereditary cancer-predisposing syndrome. Last evaluated: 2022-10-11. Review status: criteria provided, single submitter. Criteria: ACMG Guidelines, 2015. Collection method: clinical testing. Allele origin: germline.
Comment: This missense variant replaces glutamic acid with lysine at codon 914 of the BRCA1 protein. Computational prediction is inconclusive regarding the impact of this variant on protein structure and function (internally defined REVEL score threshold 0.5 < inconclusive < 0.7, PMID: 27666373). To our knowledge, functional studies have not been reported for this variant. This variant has not been reported in individuals affected with hereditary cancer in the literature. This variant has not been identified in the general population by the Genome Aggregation Database (gnomAD). The available evidence is insufficient to determine the role of this variant in disease conclusively. Therefore, this variant is classified as a Variant of Uncertain Significance.

Ambry Genetics
Classification: Uncertain significance for Hereditary cancer-predisposing syndrome. Last evaluated: 2017-02-03. Review status: criteria provided, single submitter. Criteria: Ambry Variant Classification Scheme 2023. Collection method: clinical testing. Allele origin: germline.
Comment: The p.E914K variant (also known as c.2740G>A), located in coding exon 9 of the BRCA1 gene, results from a G to A substitution at nucleotide position 2740. The glutamic acid at codon 914 is replaced by lysine, an amino acid with similar properties. This amino acid position is not well conserved in available vertebrate species. In addition, the in silico prediction for this alteration is inconclusive. Since supporting evidence is limited at this time, the clinical significance of this alteration remains unclear.